The following is an entry in ClinVar:

NM_017739.4(POMGNT1):c.752-7C>T

Genes: POMGNT1 (protein O-linked mannose N-acetylglucosaminyltransferase 1 (beta 1,2-); minus strand), TSPAN1 (tetraspanin 1; plus strand). Cytogenetic location: 1p34.1.
Variant type: single nucleotide variant.
Coding change: c.752-7C>T on transcript NM_017739.4 (MANE Select); 7 bases into the intron before coding-DNA position 752, C replaced by T.
Molecular consequence: intron variant.
Genome position (GRCh38, 1-based): chr1:46,194,408, G>A on the plus strand (C>T on the coding strand, the complement: POMGNT1 is on the minus strand). VCF-style: chr1-46194408-G-A. GRCh37 (hg19) VCF-style: chr1-46660080-G-A.
Other names: c.752-7C>T (NM_001243766.2, NM_001438686.1, NM_001438688.1 and 4 more transcripts); c.686-7C>T (NM_001290129.3, NM_001438691.1, NM_001438692.1); c.323-7C>T (NM_001290130.2).
Identifiers: ClinVar variation 1114803 (VCV001114803.10), dbSNP rs767387934, ClinGen allele CA833613.

ClinVar aggregate classification (germline): Likely benign. Review status: criteria provided, multiple submitters, no conflicts (2 of 4 stars). 2 submissions from 2 submitters: Likely benign (2). Last evaluated 2025-09-02.

Conditions:
Autosomal recessive limb-girdle muscular dystrophy type 2O. Also called: MUSCULAR DYSTROPHY-DYSTROGLYCANOPATHY (LIMB-GIRDLE), TYPE C, 3; Limb-Girdle Muscular Dystrophy Type 3C; MUSCULAR DYSTROPHY-DYSTROGLYCANOPATHY, LIMB-GIRDLE, POMGNT1-RELATED. Identifiers: Orphanet 206564, MedGen C3150417, MONDO:0013161, OMIM 613157.
Muscular dystrophy-dystroglycanopathy (congenital with impaired intellectual development), type B, 3. Also called: Muscular dystrophy-dystroglycanopathy (congenital with intellectual disability), type B3; MUSCULAR DYSTROPHY, CONGENITAL, POMGNT1-RELATED. Identifiers: MedGen C3150412, MONDO:0013155, OMIM 613151.

Allele frequency attached by ClinVar (database versions not stated): gnomAD 0.00004 and 0.00005; gnomAD exomes 0.00001 and 0.00004; TOPMed 0.00003; ExAC 0.00002.
gnomAD v4.1: 57 of 1,614,100 alleles (0.0035%); highest among the groups gnomAD compares: Non-Finnish European, 0.0047%; 1 homozygote.

Submissions (2):

Labcorp Genetics (formerly Invitae), Labcorp
Classification: Likely benign for Autosomal recessive limb-girdle muscular dystrophy type 2O; Muscular dystrophy-dystroglycanopathy (congenital with impaired intellectual development), type B, 3. Last evaluated: 2025-09-02. Review status: criteria provided, single submitter. Criteria: Invitae Variant Classification Sherloc (09022015). Collection method: clinical testing. Allele origin: germline.

Athena Diagnostics
Classification: Likely benign. Last evaluated: 2025-07-17. Review status: criteria provided, single submitter. Criteria: Athena Diagnostics Criteria. Collection method: clinical testing. Allele origin: unknown.
Comment: Computational tools yielded predictions that this variant is unlikely to have an effect on normal RNA splicing. This nucleotide position exhibits low evolutionary conservation.